The following is an entry in ClinVar:

ClinVar aggregate classification (germline): Conflicting classifications of pathogenicity. Review status: criteria provided, conflicting classifications (1 of 4 stars). 2 submissions from 2 submitters: Uncertain significance (1); Benign (1). Last evaluated 2023-05-30.

Conditions:
Hereditary factor VIII deficiency disease (HEMA). Also called: AUTOSOMAL HEMOPHILIA A; Hemophilia A, congenital; HEM A; Factor 8 deficiency, congenital; HEMOPHILIA, CLASSIC; Hemophilia A. Identifiers: Orphanet 98878, MedGen C0019069, MONDO:0010602, OMIM 306700.

Allele frequency attached by ClinVar (database versions not stated): ExAC 0.00001; gnomAD exomes 0.00001; gnomAD 0.00002; TOPMed 0.00002; 1000 Genomes Project 30x 0.00042; 1000 Genomes Project 0.00053.
gnomAD v4.1: 28 of 1,209,017 alleles (0.0023%); highest among the groups gnomAD compares: South Asian, 0.046%; no homozygotes.

Submissions (2):

Women's Health and Genetics/Laboratory Corporation of America, LabCorp
Classification: Uncertain significance. Last evaluated: 2023-05-30. Review status: criteria provided, single submitter. Criteria: LabCorp Variant Classification Summary - May 2015. Collection method: clinical testing. Allele origin: germline.
Comment: Variant summary: F8 c.989A>G (p.His330Arg) results in a non-conservative amino acid change located in the Multicopper oxidase, second cupredoxin domain (IPR001117) of the encoded protein sequence. Three of five in-silico tools predict a benign effect of the variant on protein function. The variant allele was found at a frequency of 1.1e-05 in 183051 control chromosomes. The available data on variant occurrences in the general population are insufficient to allow any conclusion about variant significance. c.989A>G has been reported in the literature as a non-informative genotype with conflicting annotations between studies by the same authors (example, Nair_2010 conflicts the statement in Nair_2014). These report(s) do not provide unequivocal conclusions about association of the variant with Factor VIII Deficiency (Hemophilia A). To our knowledge, no experimental evidence demonstrating an impact on protein function has been reported. The following publications have been ascertained in the context of this evaluation (PMID: 20800587, 24845853). One clinical diagnostic laboratory has submitted clinical-significance assessments for this variant to ClinVar after 2014 without evidence for independent evaluation and classified the variant as benign. Based on the evidence outlined above, the variant was classified as uncertain significance.

Illumina Laboratory Services, Illumina
Classification: Benign for Hereditary factor VIII deficiency disease. Last evaluated: 2018-01-13. Review status: criteria provided, single submitter. Criteria: ICSL Variant Classification Criteria 13 December 2019. Collection method: clinical testing. Allele origin: germline.
Comment: This variant was observed in the ICSL laboratory as part of a predisposition screen in an ostensibly healthy population. It had not been previously curated by ICSL or reported in the Human Gene Mutation Database (HGMD: prior to June 1st, 2018), and was therefore a candidate for classification through an automated scoring system. Utilizing variant allele frequency, disease prevalence and penetrance estimates, and inheritance mode, an automated score was calculated to assess if this variant is too frequent to cause the disease. Based on the score and internal cut-off values, a variant classified as benign is not then subjected to further curation. The score for this variant resulted in a classification of benign for this disease.

Literature cited by the submitters: PubMed 20800587 (cited by Women's Health and Genetics/Laboratory Corporation of America, LabCorp); PubMed 24845853 (cited by Women's Health and Genetics/Laboratory Corporation of America, LabCorp).

NM_000132.4(F8):c.989A>G (p.His330Arg)

Gene: F8 (coagulation factor VIII; minus strand). Cytogenetic location: Xq28.
Variant type: single nucleotide variant.
Coding change: c.989A>G on transcript NM_000132.4 (MANE Select); coding-DNA position 989, A replaced by G.
Protein change: p.His330Arg; replaces histidine 330 with arginine.
Molecular consequence: missense variant.
Genome position (GRCh38, 1-based): chrX:154,969,351, T>C on the plus strand (A>G on the coding strand, the complement: F8 is on the minus strand). VCF-style: chrX-154969351-T-C. GRCh37 (hg19) VCF-style: chrX-154197626-T-C.
Other names: short protein forms H330R.
Identifiers: ClinVar variation 914375 (VCV000914375.5), dbSNP rs782498015, ClinGen allele CA10568521.